The following is an entry in ClinVar:

ClinVar aggregate classification (germline): Uncertain significance. Review status: criteria provided, multiple submitters, no conflicts (2 of 4 stars). 3 submissions from 3 submitters: Uncertain significance (3). Last evaluated 2025-07-15.

Conditions:
Inborn genetic diseases. Identifiers: MedGen C0950123, MeSH D030342.
Peroxisome biogenesis disorder 9B. Also called: PEX7-Related Refsum Disease; Refsum disease, adult, 2; PEROXISOME BIOGENESIS DISORDER, PEX7-RELATED, ATYPICAL. Identifiers: Orphanet 773, MedGen C2749346, MONDO:0013945, OMIM 614879.

Allele frequency attached by ClinVar (database versions not stated): TOPMed below 0.00001; gnomAD 0.00001; gnomAD exomes 0.00002; ExAC 0.00003.
gnomAD v4.1: 31 of 1,613,896 alleles (0.0019%); highest among the groups gnomAD compares: Middle Eastern, 0.033%; 1 homozygote.

Submissions (3):

Ambry Genetics
Classification: Uncertain significance for Inborn genetic diseases. Last evaluated: 2025-07-15. Review status: criteria provided, single submitter. Criteria: Ambry Variant Classification Scheme 2023. Collection method: clinical testing. Allele origin: germline.

Labcorp Genetics (formerly Invitae), Labcorp
Classification: Uncertain significance for Peroxisome biogenesis disorder 9B. Last evaluated: 2022-03-14. Review status: criteria provided, single submitter. Criteria: Invitae Variant Classification Sherloc (09022015). Collection method: clinical testing. Allele origin: germline.
Comment: This sequence change replaces glutamine, which is neutral and polar, with arginine, which is basic and polar, at codon 112 of the PEX7 protein (p.Gln112Arg). This variant is present in population databases (rs778763416, gnomAD 0.03%). This variant has not been reported in the literature in individuals affected with PEX7-related conditions. Algorithms developed to predict the effect of missense changes on protein structure and function (SIFT, PolyPhen-2, Align-GVGD) all suggest that this variant is likely to be tolerated. In summary, the available evidence is currently insufficient to determine the role of this variant in disease. Therefore, it has been classified as a Variant of Uncertain Significance.

Blueprint Genetics
Classification: Uncertain significance. Last evaluated: 2018-11-28. Review status: criteria provided, single submitter. Criteria: ACMG Guidelines, 2015. Collection method: clinical testing. Allele origin: germline.

NM_000288.4(PEX7):c.335A>G (p.Gln112Arg)

Gene: PEX7 (peroxisomal biogenesis factor 7; plus strand). Cytogenetic location: 6q23.3.
Variant type: single nucleotide variant.
Coding change: c.335A>G on transcript NM_000288.4 (MANE Select); coding-DNA position 335, A replaced by G.
Protein change: p.Gln112Arg; replaces glutamine 112 with arginine.
Molecular consequence: missense variant.
Genome position (GRCh38, 1-based): chr6:136,826,465, A>G. VCF-style: chr6-136826465-A-G. GRCh37 (hg19) VCF-style: chr6-137147603-A-G.
Other names: c.221A>G, p.Gln74Arg (NM_001410945.1); c.335A>G (NM_000288.3); short protein forms Q112R, Q74R.
Identifiers: ClinVar variation 2049548 (VCV002049548.3), dbSNP rs778763416, ClinGen allele CA4017555.